The following is an entry in ClinVar:

ClinVar aggregate classification (germline): Uncertain significance (1 of 4 stars; one submission).

gnomAD v4.1: 5 of 1,523,908 alleles (0.00033%); highest among the groups gnomAD compares: African/African-American, 0.0058%; no homozygotes.

Submission:

Labcorp Genetics (formerly Invitae), Labcorp
Classification: Uncertain significance. Last evaluated: 2024-02-17. Review status: criteria provided, single submitter. Criteria: Invitae Variant Classification Sherloc (09022015). Collection method: clinical testing. Allele origin: germline.
Comment: This sequence change replaces asparagine, which is neutral and polar, with aspartic acid, which is acidic and polar, at codon 133 of the TCF3 protein (p.Asn133Asp). The frequency data for this variant in the population databases is considered unreliable, as metrics indicate poor data quality at this position in the gnomAD database. This variant has not been reported in the literature in individuals affected with TCF3-related conditions. Advanced modeling of protein sequence and biophysical properties (such as structural, functional, and spatial information, amino acid conservation, physicochemical variation, residue mobility, and thermodynamic stability) performed at Invitae indicates that this missense variant is not expected to disrupt TCF3 protein function with a negative predictive value of 80%. In summary, the available evidence is currently insufficient to determine the role of this variant in disease. Therefore, it has been classified as a Variant of Uncertain Significance.

NM_003200.5(TCF3):c.397A>G (p.Asn133Asp)

Gene: TCF3 (transcription factor 3; minus strand). Cytogenetic location: 19p13.3.
Variant type: single nucleotide variant.
Coding change: c.397A>G on transcript NM_003200.5 (MANE Select); coding-DNA position 397, A replaced by G.
Protein change: p.Asn133Asp; replaces asparagine 133 with aspartic acid.
Molecular consequence: missense variant.
Genome position (GRCh38, 1-based): chr19:1,625,678, T>C on the plus strand (A>G on the coding strand, the complement: TCF3 is on the minus strand). VCF-style: chr19-1625678-T-C. GRCh37 (hg19) VCF-style: chr19-1625677-T-C.
Other names: c.397A>G, p.Asn133Asp (NM_001136139.4, NM_001351778.2, NM_001351779.2); short protein forms N133D.
Identifiers: ClinVar variation 3622948 (VCV003622948.2).